The following is an entry in ClinVar:

ClinVar aggregate classification (germline): Uncertain significance (1 of 4 stars; one submission).

Allele frequency attached by ClinVar (database versions not stated): gnomAD 0.00001; gnomAD exomes 0.00001.
gnomAD v4.1: 11 of 1,613,854 alleles (0.00068%); highest among the groups gnomAD compares: Non-Finnish European, 0.00076%; no homozygotes.

Submission:

Labcorp Genetics (formerly Invitae), Labcorp
Classification: Uncertain significance. Last evaluated: 2023-10-13. Review status: criteria provided, single submitter. Criteria: Invitae Variant Classification Sherloc (09022015). Collection method: clinical testing. Allele origin: germline.
Comment: This sequence change replaces glutamic acid, which is acidic and polar, with alanine, which is neutral and non-polar, at codon 480 of the SRCAP protein (p.Glu480Ala). This variant is present in population databases (no rsID available, gnomAD 0.007%). This variant has not been reported in the literature in individuals affected with SRCAP-related conditions. Advanced modeling of protein sequence and biophysical properties (such as structural, functional, and spatial information, amino acid conservation, physicochemical variation, residue mobility, and thermodynamic stability) performed at Invitae indicates that this missense variant is not expected to disrupt SRCAP protein function. In summary, the available evidence is currently insufficient to determine the role of this variant in disease. Therefore, it has been classified as a Variant of Uncertain Significance.

NM_006662.3(SRCAP):c.1439A>C (p.Glu480Ala)

Gene: SRCAP (Snf2 related CREBBP activator protein; plus strand). Cytogenetic location: 16p11.2.
Variant type: single nucleotide variant.
Coding change: c.1439A>C on transcript NM_006662.3 (MANE Select); coding-DNA position 1439, A replaced by C.
Protein change: p.Glu480Ala; replaces glutamic acid 480 with alanine.
Molecular consequence: missense variant.
Genome position (GRCh38, 1-based): chr16:30,711,691, A>C. VCF-style: chr16-30711691-A-C. GRCh37 (hg19) VCF-style: chr16-30723012-A-C.
Other names: short protein forms E480A.
Identifiers: ClinVar variation 2995774 (VCV002995774.3), dbSNP rs1246538344, ClinGen allele CA395603853.
Genomic context (GRCh38, chr16:30,711,691, plus strand): 5'-GGAGCAGTGAAGATGAGGATGAAGATGAGGTTGATGCTAATAGCTCTGACTGTGAACCAG[A>C]GGGGCCCGTGGAAGCGGAAGAGCCTCCTCAGGAGGATAGTAGCAGTCAGTCAGGTGAATA-3'
Protein context (NP_006653.2, residues 470-490): VDANSSDCEP[Glu480Ala]GPVEAEEPPQ